The following is an entry in ClinVar:

NM_138691.3(TMC1):c.1029+7G>A

Gene: TMC1 (transmembrane channel like 1; plus strand). Cytogenetic location: 9q21.13.
Variant type: single nucleotide variant.
Coding change: c.1029+7G>A on transcript NM_138691.3 (MANE Select); 7 bases into the intron after coding-DNA position 1029, G replaced by A.
Molecular consequence: intron variant.
Genome position (GRCh38, 1-based): chr9:72,788,490, G>A. VCF-style: chr9-72788490-G-A. GRCh37 (hg19) VCF-style: chr9-75403406-G-A.
Identifiers: ClinVar variation 2999080 (VCV002999080.5), dbSNP rs1222212369, ClinGen allele CA588444076.
Genomic context (GRCh38, chr9:72,788,490, plus strand): 5'-GGCAATCCTGAAACAGCAGACAACAAATTTAATTCTATCACAATGAACTTTAAGGTAGAG[G>A]CACCAACTTCAAAAACCTGCTGTTTGTATTTCTAAGAGTAAAATTGGAGGCATTCCATCT-3'

ClinVar aggregate classification (germline): Conflicting classifications of pathogenicity. Review status: criteria provided, conflicting classifications (1 of 4 stars). 2 submissions from 2 submitters: Uncertain significance (1); Likely benign (1). Last evaluated 2026-06-01.

gnomAD v4.1: 3 of 1,613,904 alleles (0.00019%); highest among the groups gnomAD compares: South Asian, 0.0033%; no homozygotes.

Submissions (2):

CeGaT Center for Human Genetics Tuebingen
Classification: Uncertain significance. Last evaluated: 2026-06-01. Review status: criteria provided, single submitter. Criteria: CeGaT Center For Human Genetics Tuebingen Variant Classification Criteria Version 2. Collection method: clinical testing. Allele origin: germline. Affected: yes. Observed: 1 variant allele.
Comment: TMC1: PM2, BP4

Labcorp Genetics (formerly Invitae), Labcorp
Classification: Likely benign. Last evaluated: 2025-11-13. Review status: criteria provided, single submitter. Criteria: Invitae Variant Classification Sherloc (09022015). Collection method: clinical testing. Allele origin: germline.